The following is an entry in ClinVar:

ClinVar aggregate classification (germline): Likely benign. Review status: criteria provided, multiple submitters, no conflicts (2 of 4 stars). 3 submissions from 3 submitters: Likely benign (3). Last evaluated 2025-02-16.

Conditions:
Perlman syndrome (PRLMNS). Identifiers: Orphanet 2849, MedGen C0796113, MONDO:0009965, OMIM 267000.

Allele frequency attached by ClinVar (database versions not stated): 1000 Genomes Project 0.00120; 1000 Genomes Project 30x 0.00125; TOPMed 0.00237; gnomAD 0.00282 and 0.00288; gnomAD exomes 0.00286.
gnomAD v4.1: 4,220 of 1,485,644 alleles (0.28%); highest among the groups gnomAD compares: Non-Finnish European, 0.32%; 6 homozygotes.

Submissions (3):

Laboratory of Genetics, Children's Clinical University Hospital Latvia
Classification: Likely benign. Last evaluated: 2025-02-16. Review status: criteria provided, single submitter. Criteria: ACMG Guidelines, 2015. Collection method: clinical testing. Allele origin: germline. Affected: yes.

Illumina Laboratory Services, Illumina
Classification: Likely benign for Perlman syndrome. Last evaluated: 2018-01-13. Review status: criteria provided, single submitter. Criteria: ICSL Variant Classification Criteria 13 December 2019. Collection method: clinical testing. Allele origin: germline.
Comment: This variant was observed in the ICSL laboratory as part of a predisposition screen in an ostensibly healthy population. It had not been previously curated by ICSL or reported in the Human Gene Mutation Database (HGMD: prior to June 1st, 2018), and was therefore a candidate for classification through an automated scoring system. Utilizing variant allele frequency, disease prevalence and penetrance estimates, and inheritance mode, an automated score was calculated to assess if this variant is too frequent to cause the disease. Based on the score and internal cut-off values, a variant classified as likely benign is not then subjected to further curation. The score for this variant resulted in a classification of likely benign for this disease.

Breakthrough Genomics
Classification: Likely benign. Review status: criteria provided, single submitter. Criteria: ACMG Guidelines, 2015. Collection method: not provided. Allele origin: germline. Inheritance: Autosomal recessive inheritance. Affected: yes.

NM_152383.5(DIS3L2):c.-78C>T

Gene: DIS3L2 (DIS3 like 3'-5' exoribonuclease 2; plus strand). Cytogenetic location: 2q37.1.
Variant type: single nucleotide variant.
Coding change: c.-78C>T on transcript NM_152383.5 (MANE Select); 78 bases upstream of the start codon, C replaced by T.
Molecular consequence: 5 prime UTR variant. On other transcripts: non-coding transcript variant (2).
Genome position (GRCh38, 1-based): chr2:232,014,850, C>T. VCF-style: chr2-232014850-C-T. GRCh37 (hg19) VCF-style: chr2-232879560-C-T.
Other names: c.-78C>T (NM_001257281.2, NM_001257282.2).
Identifiers: ClinVar variation 895500 (VCV000895500.6), dbSNP rs114491317, ClinGen allele CA67499178.